The following is an entry in ClinVar:

NM_000271.5(NPC1):c.3591+1G>A

Gene: NPC1 (NPC intracellular cholesterol transporter 1; minus strand). Cytogenetic location: 18q11.2.
Variant type: single nucleotide variant.
Coding change: c.3591+1G>A on transcript NM_000271.5 (MANE Select); the canonical splice donor site of the intron after coding-DNA position 3591, G replaced by A.
Molecular consequence: splice donor variant.
Genome position (GRCh38, 1-based): chr18:23,534,445, C>T on the plus strand (G>A on the coding strand, the complement: NPC1 is on the minus strand). VCF-style: chr18-23534445-C-T. GRCh37 (hg19) VCF-style: chr18-21114409-C-T.
Other names: IVS23, G-A, +1.
Identifiers: ClinVar variation 2973 (VCV000002973.19), dbSNP rs786200877, ClinGen allele CA252500.

ClinVar aggregate classification (germline): Pathogenic. Review status: criteria provided, multiple submitters, no conflicts (2 of 4 stars). 7 submissions from 7 submitters: Pathogenic (5). 2 of the submissions do not count toward it. Last evaluated 2026-07-25.

Conditions:
Niemann-Pick disease, type C (NPC). Identifiers: Orphanet 646, MedGen C0220756, MONDO:0018982.
Niemann-Pick disease, type C1. Also called: NEUROVISCERAL STORAGE DISEASE WITH VERTICAL SUPRANUCLEAR OPHTHALMOPLEGIA; NIEMANN-PICK DISEASE WITH CHOLESTEROL ESTERIFICATION BLOCK; NIEMANN-PICK DISEASE WITHOUT SPHINGOMYELINASE DEFICIENCY; NIEMANN-PICK DISEASE, CHRONIC NEURONOPATHIC FORM; NIEMANN-PICK DISEASE, VARIANT TYPE C1. Identifiers: Orphanet 646, MedGen C3179455, MONDO:0009757, OMIM 257220.

Allele frequency attached by ClinVar (database versions not stated): gnomAD 0.00001; gnomAD exomes 0.00001; TOPMed 0.00002.
gnomAD v4.1: 13 of 1,608,802 alleles (0.00081%); highest among the groups gnomAD compares: African/African-American, 0.0013%; no homozygotes.

Submissions (7):

Foundation for Research in Genetics and Endocrinology, FRIGE's Institute of Human Genetics
Classification: Pathogenic for Niemann-Pick disease, type C1. Last evaluated: 2026-07-25. Review status: criteria provided, single submitter. Criteria: ACMG Guidelines, 2015. Collection method: clinical testing. Allele origin: germline. Inheritance: Autosomal recessive inheritance. Affected: yes. Observed: 1 variant allele, 1 homozygote.
Comment: A homozygous 5’ splice site variant in intron 23 of the NPC1 gene that affects the invariant GT donor splice site downstream of exon 23 (c.3591+1G>A) was detected. The variant has not been reported in the 1000 genomes databases and has a minor allele frequency of 0.001%, 0.001% and 0.002% in the gnomAD (v3.1), gnomAD (v2.1) and topmed databases respectively. The reference base is conserved across species. In summary, the variant meets our criteria to be classified as pathogenic.

CeGaT Center for Human Genetics Tuebingen
Classification: Pathogenic. Last evaluated: 2026-04-01. Review status: criteria provided, single submitter. Criteria: CeGaT Center For Human Genetics Tuebingen Variant Classification Criteria Version 2. Collection method: clinical testing. Allele origin: germline. Affected: yes. Observed: 1 variant allele.
Comment: NPC1: PM3:Strong, PVS1:Strong, PM2

Labcorp Genetics (formerly Invitae), Labcorp
Classification: Pathogenic for Niemann-Pick disease, type C1. Last evaluated: 2025-02-20. Review status: criteria provided, single submitter. Criteria: Invitae Variant Classification Sherloc (09022015). Collection method: clinical testing. Allele origin: germline.
Comment: This sequence change affects a donor splice site in intron 23 of the NPC1 gene. It is expected to disrupt RNA splicing. Variants that disrupt the donor or acceptor splice site typically lead to a loss of protein function (PMID: 16199547), and loss-of-function variants in NPC1 are known to be pathogenic (PMID: 9211850). This variant is present in population databases (rs786200877, gnomAD 0.004%). Disruption of this splice site has been observed in individuals with Niemann-Pick type C (PMID: 11479732, 31296176). This variant is also known as IVS23+1G>A. ClinVar contains an entry for this variant (Variation ID: 2973). Studies have shown that disruption of this splice site alters NPC1 gene expression (PMID: 11479732). Algorithms developed to predict the effect of sequence changes on RNA splicing suggest that this variant may disrupt the consensus splice site. For these reasons, this variant has been classified as Pathogenic.

Natera, Inc.
Classification: Pathogenic for Niemann-Pick disease type C1. Last evaluated: 2024-04-10. Review status: criteria provided, single submitter. Criteria: Natera Variant Classification Schema (03/2026). Collection method: clinical testing. Allele origin: germline.
Comment: The c.3591+1G>A variant in NPC1 is a canonical splice donor site variant predicted to affect pre-mRNA splicing, which may result in an abnormal transcript and altered protein product. This variant is expected to result in nonsense mediated decay, truncation, or a dysfunctional protein product. This variant is rare in the general population with a frequency below the threshold expected for the associated phenotype(s). This variant has been observed in one or more individuals affected with the associated recessive disease, as either homozygous or compound heterozygous with a second variant (PMID: 11479732, 25236789). Functional studies show that this variant may disrupt protein function (PMID: 32248828, 11479732). Given the available evidence, this variant is classified as Pathogenic.

Women's Health and Genetics/Laboratory Corporation of America, LabCorp
Classification: Pathogenic for Niemann-Pick disease, type C. Last evaluated: 2019-08-26. Review status: criteria provided, single submitter. Criteria: LabCorp Variant Classification Summary - May 2015. Collection method: clinical testing. Allele origin: germline.
Comment: Variant summary: NPC1 c.3591+1G>A is located in a canonical splice-site and is predicted to affect mRNA splicing resulting in a significantly altered protein due to either exon skipping, shortening, or inclusion of intronic material. Several computational tools predict a significant impact on normal splicing: Four predict the variant abolishes a 5' splicing donor site. At least one publication reports experimental evidence that this variant affects mRNA splicing resulting in an unstable protein from two possible transcripts (Ribeiro_2001). The variant allele was found at a frequency of 1.2e-05 in 249950 control chromosomes. c.3591+1G>A has been reported in the literature in individuals affected with Niemann-Pick Disease Type C (Ribeiro_2001, Park_2003, Stampfer_2013). These data indicate that the variant is likely to be associated with disease. No clinical diagnostic laboratories have submitted clinical-significance assessments for this variant to ClinVar after 2014. Based on the evidence outlined above, the variant was classified as pathogenic.

Counsyl
Classification: Likely pathogenic for Niemann-Pick disease type C1. Last evaluated: 2014-10-07. Review status: no assertion criteria provided. Collection method: literature only. Allele origin: unknown. Inheritance: Autosomal recessive inheritance. Not counted in ClinVar's aggregate classification.

OMIM
Classification: Pathogenic for NIEMANN-PICK DISEASE, TYPE C1. Last evaluated: 2001-07-01. Review status: no assertion criteria provided. Collection method: literature only. Allele origin: germline. Not counted in ClinVar's aggregate classification.

Literature cited by the submitters: PubMed 16199547 (cited by Labcorp Genetics (formerly Invitae), Labcorp); PubMed 9211850 (cited by Labcorp Genetics (formerly Invitae), Labcorp); PubMed 11479732 (cited by 5 submitters); PubMed 31296176 (cited by Labcorp Genetics (formerly Invitae), Labcorp); PubMed 25236789 (cited by Natera, Inc.); PubMed 32248828 (cited by Natera, Inc.); PubMed 12955717 (cited by Women's Health and Genetics/Laboratory Corporation of America, LabCorp and Counsyl); PubMed 23433426 (cited by Women's Health and Genetics/Laboratory Corporation of America, LabCorp and Counsyl).